The following is an entry in ClinVar:

NM_003476.5(CSRP3):c.165del (p.Ile56fs)

Gene: CSRP3 (cysteine and glycine rich protein 3; minus strand). Cytogenetic location: 11p15.1.
Variant type: Deletion.
Coding change: c.165del on transcript NM_003476.5 (MANE Select); coding-DNA position 165, one base deleted (G; older notation c.165delG).
Protein change: p.Ile56fs; shifts the reading frame from isoleucine 56.
Molecular consequence: frameshift variant. On other transcripts: intron variant (1).
Genome position (GRCh38, 1-based): chr11:19,188,252, C deleted on the plus strand (G on the coding strand, the reverse complement: CSRP3 is on the minus strand). VCF-style (leftmost placement, unchanged base first): chr11-19188251-TC-T. GRCh37 (hg19) VCF-style: chr11-19209798-TC-T.
Other names: c.113-1904del (NM_001369404.1); short protein forms I56fs.
Identifiers: ClinVar variation 1470431 (VCV001470431.6), dbSNP rs2133511280, ClinGen allele CA2573146122.

ClinVar aggregate classification (germline): Pathogenic (1 of 4 stars; one submission).

Conditions:
Hypertrophic cardiomyopathy 12. Identifiers: MedGen C2677491, MONDO:0012804, OMIM 612124.
Dilated cardiomyopathy 1M (CMD1M). Identifiers: Orphanet 154, MedGen C1843808, MONDO:0011840, OMIM 607482.

Submission:

Labcorp Genetics (formerly Invitae), Labcorp
Classification: Pathogenic for Hypertrophic cardiomyopathy 12; Dilated cardiomyopathy 1M. Last evaluated: 2024-04-17. Review status: criteria provided, single submitter. Criteria: Invitae Variant Classification Sherloc (09022015). Collection method: clinical testing. Allele origin: germline.
Comment: This sequence change results in a frameshift in the CSRP3 gene (p.Ile56Serfs*152). While this is not anticipated to result in nonsense mediated decay, it is expected to disrupt the last 139 amino acid(s) of the CSRP3 protein and extend the protein by 12 additional amino acid residues. This variant is not present in population databases (gnomAD no frequency). This variant has not been reported in the literature in individuals affected with CSRP3-related conditions. ClinVar contains an entry for this variant (Variation ID: 1470431). This variant disrupts a region of the CSRP3 protein in which other variant(s) (p.Cys150Tyr) have been determined to be pathogenic (PMID: 23396983, 25351510, 33035702; Invitae). This suggests that this is a clinically significant region of the protein, and that variants that disrupt it are likely to be disease-causing. For these reasons, this variant has been classified as Pathogenic.

Literature cited by the submitters: PubMed 23396983; PubMed 25351510; PubMed 33035702.